The following is an entry in ClinVar:

NM_005732.4(RAD50):c.1148T>A (p.Phe383Tyr)

Gene: RAD50 (RAD50 double strand break repair protein; plus strand). Cytogenetic location: 5q31.1.
Variant type: single nucleotide variant.
Coding change: c.1148T>A on transcript NM_005732.4 (MANE Select); coding-DNA position 1148, T replaced by A.
Protein change: p.Phe383Tyr; replaces phenylalanine 383 with tyrosine.
Molecular consequence: missense variant.
Genome position (GRCh38, 1-based): chr5:132,588,783, T>A. VCF-style: chr5-132588783-T-A. GRCh37 (hg19) VCF-style: chr5-131924475-T-A.
Other names: short protein forms F383Y.
Identifiers: ClinVar variation 3786319 (VCV003786319.1).

ClinVar aggregate classification (germline): Uncertain significance (1 of 4 stars; one submission).

Conditions:
Hereditary cancer-predisposing syndrome. Also called: Neoplastic Syndromes, Hereditary; Hereditary Cancer Syndrome; Tumor predisposition; Hereditary neoplastic syndrome. Identifiers: Orphanet 140162, MedGen C0027672, MeSH D009386, MONDO:0015356.

Submission:

Ambry Genetics
Classification: Uncertain significance for Hereditary cancer-predisposing syndrome. Last evaluated: 2025-02-27. Review status: criteria provided, single submitter. Criteria: Ambry Variant Classification Scheme 2023. Collection method: clinical testing. Allele origin: germline.
Comment: The p.F383Y variant (also known as c.1148T>A), located in coding exon 8 of the RAD50 gene, results from a T to A substitution at nucleotide position 1148. The phenylalanine at codon 383 is replaced by tyrosine, an amino acid with highly similar properties. This amino acid position is conserved. In addition, this alteration is predicted to be tolerated by in silico analysis. Based on the available evidence, the clinical significance of this variant remains unclear.